The following is an entry in ClinVar:

NM_004991.4(MECOM):c.2569C>A (p.His857Asn)

Gene: MECOM (MDS1 and EVI1 complex locus; minus strand). Cytogenetic location: 3q26.2.
Variant type: single nucleotide variant.
Coding change: c.2569C>A on transcript NM_004991.4 (MANE Select); coding-DNA position 2569, C replaced by A.
Protein change: p.His857Asn; replaces histidine 857 with asparagine.
Molecular consequence: missense variant.
Genome position (GRCh38, 1-based): chr3:169,112,795, G>T on the plus strand (C>A on the coding strand, the complement: MECOM is on the minus strand). VCF-style: chr3-169112795-G-T. GRCh37 (hg19) VCF-style: chr3-168830583-G-T.
Other names: c.2200C>A, p.His734Asn (NM_001105077.4); c.2005C>A, p.His669Asn (NM_001105078.4, NM_001164000.2, NM_001205194.2 and 4 more transcripts); c.2008C>A, p.His670Asn (NM_001163999.2, NM_001366467.2, NM_001366468.2 and 1 more transcripts); c.2569C>A, p.His857Asn (NM_001366466.2); c.1597C>A, p.His533Asn (NM_001366473.2); c.1033C>A, p.His345Asn (NM_001366474.2); short protein forms H533N, H670N, H857N, H734N, H345N, H669N.
Identifiers: ClinVar variation 4053329 (VCV004053329.1).
Genomic context (GRCh38, chr3:169,112,795, plus strand): 5'-AGGATCAACAAGTTAGTTTACAAGCTGGAAATCTCAAATCCAAAATACTTACTTGTGGGT[G>T]AAACAAGAATCCTGGAGAAGGCCTCAAGTATTTCTCTTTTAAAGCTTCAAGTGGGTCAGT-3'
Protein context (NP_004982.2, residues 847-867): YLRPSPGFLF[His857Asn]PQFQLPDQRT

ClinVar aggregate classification (germline): Uncertain significance (1 of 4 stars; one submission).

Conditions:
Inborn genetic diseases. Identifiers: MedGen C0950123, MeSH D030342.

gnomAD v4.1: 1 of 1,612,070 alleles (0.000062%); no homozygotes.

Submission:

Ambry Genetics
Classification: Uncertain significance for Inborn genetic diseases. Last evaluated: 2025-06-08. Review status: criteria provided, single submitter. Criteria: Ambry Variant Classification Scheme 2023. Collection method: clinical testing. Allele origin: germline.
Comment: The p.H857N variant (also known as c.2569C>A), located in coding exon 9 of the MECOM gene, results from a C to A substitution at nucleotide position 2569. The histidine at codon 857 is replaced by asparagine, an amino acid with similar properties. This amino acid position is conserved. In addition, the in silico prediction for this alteration is inconclusive. Based on the available evidence, the clinical significance of this variant remains unclear.